The following is an entry in ClinVar:

NM_012330.4(KAT6B):c.4019G>T (p.Gly1340Val)

Gene: KAT6B (lysine acetyltransferase 6B; plus strand). Cytogenetic location: 10q22.2.
Variant type: single nucleotide variant.
Coding change: c.4019G>T on transcript NM_012330.4 (MANE Select); coding-DNA position 4019, G replaced by T.
Protein change: p.Gly1340Val; replaces glycine 1340 with valine.
Molecular consequence: missense variant.
Genome position (GRCh38, 1-based): chr10:75,028,843, G>T. VCF-style: chr10-75028843-G-T. GRCh37 (hg19) VCF-style: chr10-76788601-G-T.
Other names: c.3470G>T, p.Gly1157Val (NM_001256468.2, NM_001370138.1); c.3143G>T, p.Gly1048Val (NM_001256469.2, NM_001370139.1, NM_001370140.1 and 2 more transcripts); c.2981G>T, p.Gly994Val (NM_001370132.1); c.2330G>T, p.Gly777Val (NM_001370133.1); c.1934G>T, p.Gly645Val (NM_001370134.1); c.1676G>T, p.Gly559Val (NM_001370135.1); c.4019G>T, p.Gly1340Val (NM_001370136.1, NM_001370137.1); c.2954G>T, p.Gly985Val (NM_001370143.1, NM_001370144.1); short protein forms G1048V, G1157V, G1340V, G559V, G645V, G777V, G985V, G994V.
Identifiers: ClinVar variation 3619364 (VCV003619364.2).

ClinVar aggregate classification (germline): Uncertain significance (1 of 4 stars; one submission).

Conditions:
Genitopatellar syndrome (GTPTS). Also called: ABSENT PATELLAE, SCROTAL HYPOPLASIA, RENAL ANOMALIES, FACIAL DYSMORPHISM, AND MENTAL RETARDATION; Genitopatellar syndrome (GPS). Identifiers: Orphanet 85201, MedGen C1853566, MONDO:0011640, OMIM 606170.

gnomAD v4.1: 3 of 1,613,934 alleles (0.00019%); highest among the groups gnomAD compares: Non-Finnish European, 0.00025%; no homozygotes.

Submission:

Labcorp Genetics (formerly Invitae), Labcorp
Classification: Uncertain significance for Genitopatellar syndrome. Last evaluated: 2024-12-09. Review status: criteria provided, single submitter. Criteria: Invitae Variant Classification Sherloc (09022015). Collection method: clinical testing. Allele origin: germline.
Comment: This sequence change replaces glycine, which is neutral and non-polar, with valine, which is neutral and non-polar, at codon 1340 of the KAT6B protein (p.Gly1340Val). This variant is not present in population databases (gnomAD no frequency). This variant has not been reported in the literature in individuals affected with KAT6B-related conditions. Invitae Evidence Modeling of protein sequence and biophysical properties (such as structural, functional, and spatial information, amino acid conservation, physicochemical variation, residue mobility, and thermodynamic stability) indicates that this missense variant is not expected to disrupt KAT6B protein function with a negative predictive value of 80%. In summary, the available evidence is currently insufficient to determine the role of this variant in disease. Therefore, it has been classified as a Variant of Uncertain Significance.